The following is an entry in ClinVar:

ClinVar aggregate classification (germline): Uncertain significance (1 of 4 stars; one submission).

Submission:

Labcorp Genetics (formerly Invitae), Labcorp
Classification: Uncertain significance. Last evaluated: 2022-03-20. Review status: criteria provided, single submitter. Criteria: Invitae Variant Classification Sherloc (09022015). Collection method: clinical testing. Allele origin: germline.
Comment: This sequence change replaces proline, which is neutral and non-polar, with leucine, which is neutral and non-polar, at codon 3362 of the KMT2A protein (p.Pro3362Leu). This variant is not present in population databases (gnomAD no frequency). This variant has not been reported in the literature in individuals affected with KMT2A-related conditions. Advanced modeling of protein sequence and biophysical properties (such as structural, functional, and spatial information, amino acid conservation, physicochemical variation, residue mobility, and thermodynamic stability) performed at Invitae indicates that this missense variant is expected to disrupt KMT2A protein function. In summary, the available evidence is currently insufficient to determine the role of this variant in disease. Therefore, it has been classified as a Variant of Uncertain Significance.

NM_001197104.2(KMT2A):c.10085C>T (p.Pro3362Leu)

Gene: KMT2A (lysine methyltransferase 2A; plus strand). Cytogenetic location: 11q23.3.
Variant type: single nucleotide variant.
Coding change: c.10085C>T on transcript NM_001197104.2 (MANE Select); coding-DNA position 10085, C replaced by T.
Protein change: p.Pro3362Leu; replaces proline 3362 with leucine.
Molecular consequence: missense variant.
Genome position (GRCh38, 1-based): chr11:118,505,977, C>T. VCF-style: chr11-118505977-C-T. GRCh37 (hg19) VCF-style: chr11-118376692-C-T.
Other names: c.10175C>T, p.Pro3392Leu (NM_001412597.1); c.10076C>T, p.Pro3359Leu (NM_005933.4); short protein forms P3392L, P3359L, P3362L.
Identifiers: ClinVar variation 2115187 (VCV002115187.4), dbSNP rs2134409887, ClinGen allele CA382822618.